The following is an entry in ClinVar:

ClinVar aggregate classification (germline): Uncertain significance (0 of 4 stars; one submission).

Conditions:
FRAS1-related disorder. Also called: FRAS1-related condition.

Submission:

PreventionGenetics, part of Exact Sciences
Classification: Uncertain significance for FRAS1-related condition. Last evaluated: 2024-04-04. Review status: no assertion criteria provided. Collection method: clinical testing. Allele origin: germline.
Comment: The FRAS1 c.1637G>A variant is predicted to result in the amino acid substitution p.Ser546Asn. To our knowledge, this variant has not been reported in the literature. This variant is reported in 0.0056% of alleles in individuals of East Asian descent in gnomAD. At this time, the clinical significance of this variant is uncertain due to the absence of conclusive functional and genetic evidence.

NM_025074.7(FRAS1):c.1637G>A (p.Ser546Asn)

Gene: FRAS1 (Fraser extracellular matrix complex subunit 1; plus strand). Cytogenetic location: 4q21.21.
Variant type: single nucleotide variant.
Coding change: c.1637G>A on transcript NM_025074.7 (MANE Select); coding-DNA position 1637, G replaced by A.
Protein change: p.Ser546Asn; replaces serine 546 with asparagine.
Molecular consequence: missense variant.
Genome position (GRCh38, 1-based): chr4:78,308,168, G>A. VCF-style: chr4-78308168-G-A. GRCh37 (hg19) VCF-style: chr4-79229322-G-A.
Other names: c.1637G>A, p.Ser546Asn (NM_001166133.2); short protein forms S546N.
Identifiers: ClinVar variation 3348218 (VCV003348218.1).